The following is an entry in ClinVar:

ClinVar aggregate classification (germline): Conflicting classifications of pathogenicity. Review status: criteria provided, conflicting classifications (1 of 4 stars). 3 submissions from 3 submitters: Uncertain significance (1); Likely benign (2). Last evaluated 2025-12-28.

Conditions:
Cortical dysplasia-focal epilepsy syndrome (PTHSL1). Also called: Pitt-Hopkins-like syndrome 1. Identifiers: Orphanet 163681, Orphanet 221150, MedGen C2750246, MONDO:0012400, OMIM 610042.

Allele frequency attached by ClinVar (database versions not stated): TOPMed 0.00003; gnomAD 0.00005; ExAC 0.00009; 1000 Genomes Project 30x 0.00016; 1000 Genomes Project 0.00020.
gnomAD v4.1: 35 of 1,613,952 alleles (0.0022%); highest among the groups gnomAD compares: East Asian, 0.06%; no homozygotes.

Submissions (3):

Labcorp Genetics (formerly Invitae), Labcorp
Classification: Likely benign for Cortical dysplasia-focal epilepsy syndrome. Last evaluated: 2025-12-28. Review status: criteria provided, single submitter. Criteria: Invitae Variant Classification Sherloc (09022015). Collection method: clinical testing. Allele origin: germline.

Illumina Laboratory Services, Illumina
Classification: Uncertain significance for Cortical dysplasia-focal epilepsy syndrome. Last evaluated: 2018-01-13. Review status: criteria provided, single submitter. Criteria: ICSL Variant Classification Criteria 13 December 2019. Collection method: clinical testing. Allele origin: germline.

GeneDx
Classification: Likely benign. Last evaluated: 2016-05-10. Review status: criteria provided, single submitter. Criteria: GeneDx Variant Classification (06012015). Collection method: clinical testing. Allele origin: germline. Affected: yes.
Comment: This variant is considered likely benign or benign based on one or more of the following criteria: it is a conservative change, it occurs at a poorly conserved position in the protein, it is predicted to be benign by multiple in silico algorithms, and/or has population frequency not consistent with disease.

NM_014141.6(CNTNAP2):c.2554+14G>T

Gene: CNTNAP2 (contactin associated protein 2; plus strand). Cytogenetic location: 7q35.
Variant type: single nucleotide variant.
Coding change: c.2554+14G>T on transcript NM_014141.6 (MANE Select); 14 bases into the intron after coding-DNA position 2554, G replaced by T.
Molecular consequence: intron variant.
Genome position (GRCh38, 1-based): chr7:148,118,302, G>T. VCF-style: chr7-148118302-G-T. GRCh37 (hg19) VCF-style: chr7-147815394-G-T.
Identifiers: ClinVar variation 359190 (VCV000359190.13), dbSNP rs546437079, ClinGen allele CA4546424.